The following is an entry in ClinVar:

NM_001271938.2(MEGF8):c.8502G>A (p.Leu2834=)

Gene: MEGF8 (multiple EGF like domains 8; plus strand). Cytogenetic location: 19q13.2.
Variant type: single nucleotide variant.
Coding change: c.8502G>A on transcript NM_001271938.2 (MANE Select); coding-DNA position 8502, G replaced by A.
Protein change: p.Leu2834=; no amino-acid change (leucine 2834 retained).
Molecular consequence: synonymous variant.
Genome position (GRCh38, 1-based): chr19:42,376,739, G>A. VCF-style: chr19-42376739-G-A. GRCh37 (hg19) VCF-style: chr19-42880891-G-A.
Other names: c.8301G>A, p.Leu2767= (NM_001410.3).
Identifiers: ClinVar variation 5041310 (VCV005041310.1).

ClinVar aggregate classification (germline): Likely benign (1 of 4 stars; one submission).

gnomAD v4.1: 1 of 1,470,206 alleles (0.000068%); highest among the groups gnomAD compares: Non-Finnish European, 0.00009%; no homozygotes.

Submission:

CeGaT Center for Human Genetics Tuebingen
Classification: Likely benign. Last evaluated: 2026-09-01. Review status: criteria provided, single submitter. Criteria: CeGaT Center For Human Genetics Tuebingen Variant Classification Criteria Version 2. Collection method: clinical testing. Allele origin: germline. Affected: yes. Observed: 1 variant allele.
Comment: MEGF8: BP4, BP7